The following is an entry in ClinVar:

ClinVar aggregate classification (germline): Uncertain significance. Review status: criteria provided, multiple submitters, no conflicts (2 of 4 stars). 5 submissions from 5 submitters: Uncertain significance (5). Last evaluated 2025-07-15.

Conditions:
Hypertrophic cardiomyopathy. Also called: HYPERTROPHIC MYOCARDIOPATHY. Identifiers: Orphanet 217569, MedGen C0007194, MeSH D002312, MONDO:0005045, HP:0001639.
Cardiovascular phenotype. Identifiers: MedGen CN230736.
Cardiomyopathy (CMYO). Also called: Cardiomyopathies. Identifiers: Orphanet 167848, MedGen C0878544, MONDO:0004994, HP:0001638. Inheritance: Various modes of inheritance.

Allele frequency attached by ClinVar (database versions not stated): ExAC 0.00001; gnomAD exomes 0.00001.
gnomAD v4.1: 9 of 1,614,250 alleles (0.00056%); highest among the groups gnomAD compares: Non-Finnish European, 0.00076%; no homozygotes.

Submissions (5):

Color Diagnostics, LLC DBA Color Health
Classification: Uncertain significance for Cardiomyopathy. Last evaluated: 2025-07-15. Review status: criteria provided, single submitter. Criteria: ACMG Guidelines, 2015. Collection method: clinical testing. Allele origin: germline.
Comment: This missense variant replaces aspartic acid with asparagine at codon 108 of the TNNI3 protein. Computational prediction suggests that this variant may have deleterious impact on protein structure and function. To our knowledge, functional studies have not been reported for this variant. This variant has not been reported in individuals affected with TNNI3-related disorders in the literature. This variant has been identified in 2/249462 chromosomes in the general population by the Genome Aggregation Database (gnomAD). The available evidence is insufficient to determine the role of this variant in disease conclusively. Therefore, this variant is classified as a Variant of Uncertain Significance.

Labcorp Genetics (formerly Invitae), Labcorp
Classification: Uncertain significance for Hypertrophic cardiomyopathy. Last evaluated: 2025-06-27. Review status: criteria provided, single submitter. Criteria: Invitae Variant Classification Sherloc (09022015). Collection method: clinical testing. Allele origin: germline.
Comment: This sequence change replaces aspartic acid, which is acidic and polar, with asparagine, which is neutral and polar, at codon 108 of the TNNI3 protein (p.Asp108Asn). This variant is present in population databases (rs766958196, gnomAD 0.002%). This variant has not been reported in the literature in individuals affected with TNNI3-related conditions. ClinVar contains an entry for this variant (Variation ID: 844689). An algorithm developed to predict the effect of missense changes on protein structure and function (PolyPhen-2) suggests that this variant is likely to be disruptive. In summary, the available evidence is currently insufficient to determine the role of this variant in disease. Therefore, it has been classified as a Variant of Uncertain Significance.

All of Us Research Program, National Institutes of Health
Classification: Uncertain significance for Hypertrophic cardiomyopathy. Last evaluated: 2023-06-26. Review status: criteria provided, single submitter. Criteria: ACMG Guidelines, 2015. Collection method: clinical testing. Allele origin: germline. Inheritance: Autosomal dominant inheritance. Observed: 1 variant allele, 1 heterozygote.
Comment: Variant of Uncertain Significance due to insufficient evidence: This missense variant is located in the TNNT (TnT)-binding region of the TNNI3 protein. Computational prediction tools and conservation analyses suggest that this variant may have deleterious impact on the protein function. Computational splicing tools suggest that this variant may impact RNA splicing by creating a new splice donor site. To our knowledge, functional assays have not been performed for this variant nor has this variant been reported in individuals affected with cardiovascular disorders in the literature. This variant has been identified in 2/246184 chromosomes in the general population by the Genome Aggregation Database (gnomAD). Available evidence is insufficient to determine the pathogenicity of this variant conclusively.

This study involves interpretation of variants in research participants for the purpose of population health screening. Participant phenotype was not available at the time of variant classification. Additional details can be found in publication PMID: 35346344, PMCID: PMC8962531

Ambry Genetics
Classification: Uncertain significance for Cardiovascular phenotype. Last evaluated: 2023-05-04. Review status: criteria provided, single submitter. Criteria: Ambry Variant Classification Scheme 2023. Collection method: clinical testing. Allele origin: germline.
Comment: The p.D108N variant (also known as c.322G>A), located in coding exon 6 of the TNNI3 gene, results from a G to A substitution at nucleotide position 322. The aspartic acid at codon 108 is replaced by asparagine, an amino acid with highly similar properties. This alteration has been reported in a cohort of subjects with cardiomyopathy (Smith E et al. J Am Heart Assoc, 2022 May;11:e024501). This amino acid position is highly conserved in available vertebrate species. In addition, the in silico prediction for this alteration is inconclusive. Since supporting evidence is limited at this time, the clinical significance of this alteration remains unclear.

Women's Health and Genetics/Laboratory Corporation of America, LabCorp
Classification: Uncertain significance. Last evaluated: 2023-03-27. Review status: criteria provided, single submitter. Criteria: LabCorp Variant Classification Summary - May 2015. Collection method: clinical testing. Allele origin: germline.

Literature cited by the submitters: PubMed 35470680 (cited by Ambry Genetics).

NM_000363.5(TNNI3):c.322G>A (p.Asp108Asn)

Gene: TNNI3 (troponin I3, cardiac type; minus strand). Cytogenetic location: 19q13.42.
Variant type: single nucleotide variant.
Coding change: c.322G>A on transcript NM_000363.5 (MANE Select); coding-DNA position 322, G replaced by A.
Protein change: p.Asp108Asn; replaces aspartic acid 108 with asparagine.
Molecular consequence: missense variant.
Genome position (GRCh38, 1-based): chr19:55,154,791, C>T on the plus strand (G>A on the coding strand, the complement: TNNI3 is on the minus strand). VCF-style: chr19-55154791-C-T. GRCh37 (hg19) VCF-style: chr19-55666159-C-T.
Other names: short protein forms D108N.
Identifiers: ClinVar variation 844689 (VCV000844689.15), dbSNP rs766958196, ClinGen allele CA051228.